The following is an entry in ClinVar:

NM_006218.4(PIK3CA):c.2936+6C>T

Gene: PIK3CA (phosphatidylinositol-4,5-bisphosphate 3-kinase catalytic subunit alpha; plus strand). Cytogenetic location: 3q26.32.
Variant type: single nucleotide variant.
Coding change: c.2936+6C>T on transcript NM_006218.4 (MANE Select); 6 bases into the intron after coding-DNA position 2936, C replaced by T.
Molecular consequence: intron variant.
Genome position (GRCh38, 1-based): chr3:179,230,382, C>T. VCF-style: chr3-179230382-C-T. GRCh37 (hg19) VCF-style: chr3-178948170-C-T.
Identifiers: ClinVar variation 861395 (VCV000861395.10), dbSNP rs547967000, ClinGen allele CA2711025.

ClinVar aggregate classification (germline): Uncertain significance (1 of 4 stars; one submission).

Conditions:
Cowden syndrome (CS). Also called: Cowden disease; Cowden's disease; Cowden's syndrome. Identifiers: Orphanet 201, MedGen C0018553, MONDO:0016063. Disease mechanism: gain of function.

Allele frequency attached by ClinVar (database versions not stated): gnomAD 0.00001; gnomAD exomes 0.00002 and 0.00005; ExAC 0.00005; 1000 Genomes Project 30x 0.00016; 1000 Genomes Project 0.00020.
gnomAD v4.1: 26 of 1,577,974 alleles (0.0016%); highest among the groups gnomAD compares: South Asian, 0.028%; no homozygotes.

Submission:

Labcorp Genetics (formerly Invitae), Labcorp
Classification: Uncertain significance for Cowden syndrome. Last evaluated: 2023-07-08. Review status: criteria provided, single submitter. Criteria: Invitae Variant Classification Sherloc (09022015). Collection method: clinical testing. Allele origin: germline.
Comment: This variant has not been reported in the literature in individuals affected with PIK3CA-related conditions. This variant is present in population databases (rs547967000, gnomAD 0.03%). This sequence change falls in intron 20 of the PIK3CA gene. It does not directly change the encoded amino acid sequence of the PIK3CA protein. It affects a nucleotide within the consensus splice site. In summary, the available evidence is currently insufficient to determine the role of this variant in disease. Therefore, it has been classified as a Variant of Uncertain Significance. Variants that disrupt the consensus splice site are a relatively common cause of aberrant splicing (PMID: 17576681, 9536098). Algorithms developed to predict the effect of sequence changes on RNA splicing suggest that this variant is not likely to affect RNA splicing. ClinVar contains an entry for this variant (Variation ID: 861395).

Literature cited by the submitters: PubMed 17576681; PubMed 9536098.